The following is an entry in ClinVar:

GRCh38/hg38 3p26.3(chr3:228954-241339)x1

Gene: CHL1 (cell adhesion molecule L1 like; plus strand). Cytogenetic location: 3p26.3.
Variant type: copy number loss.
Change: copy number 1 (one copy instead of two) of chr3:228,954-241,339 (12.4 kb, GRCh38 coordinates, 1-based), cytogenetic band 3p26.3.
Identifiers: ClinVar variation 146795 (VCV000146795.2).

ClinVar aggregate classification (germline): conflicting data from submitters (0 of 4 stars; one submission).

Submission:

ISCA site 4
Classification: conflicting data from submitters. Last evaluated: 2012-09-21. Review status: no assertion criteria provided. Collection method: clinical testing. Allele origin: unknown. Affected: yes. Observed: 2 variant alleles.
Comment: Uncertain significance(1), Likely benign (1)

Copy number variation identified through the course of routine clinical cytogenomic testing in postnatal populations, with clinical assertions as classified by the original submitter.